The following is an entry in ClinVar:

NM_004655.4(AXIN2):c.953G>T (p.Ser318Ile)

Gene: AXIN2 (axin 2; minus strand). Cytogenetic location: 17q24.1.
Variant type: single nucleotide variant.
Coding change: c.953G>T on transcript NM_004655.4 (MANE Select); coding-DNA position 953, G replaced by T.
Protein change: p.Ser318Ile; replaces serine 318 with isoleucine.
Molecular consequence: missense variant.
Genome position (GRCh38, 1-based): chr17:65,549,523, C>A on the plus strand (G>T on the coding strand, the complement: AXIN2 is on the minus strand). VCF-style: chr17-65549523-C-A. GRCh37 (hg19) VCF-style: chr17-63545641-C-A.
Other names: c.953G>T, p.Ser318Ile (NM_001363813.1); short protein forms S318I.
Identifiers: ClinVar variation 4619739 (VCV004619739.1).

ClinVar aggregate classification (germline): Uncertain significance (1 of 4 stars; one submission).

Conditions:
Hereditary cancer-predisposing syndrome. Also called: Neoplastic Syndromes, Hereditary; Tumor predisposition; Hereditary Cancer Syndrome; Hereditary neoplastic syndrome. Identifiers: Orphanet 140162, MedGen C0027672, MeSH D009386, MONDO:0015356.

Submission:

Ambry Genetics
Classification: Uncertain significance for Hereditary cancer-predisposing syndrome. Last evaluated: 2025-11-04. Review status: criteria provided, single submitter. Criteria: Ambry Variant Classification Scheme 2023. Collection method: clinical testing. Allele origin: germline.
Comment: The p.S318I variant (also known as c.953G>T), located in coding exon 2 of the AXIN2 gene, results from a G to T substitution at nucleotide position 953. The serine at codon 318 is replaced by isoleucine, an amino acid with dissimilar properties. This amino acid position is conserved. In addition, this alteration is predicted to be deleterious by in silico analysis. Based on the available evidence, the clinical significance of this variant remains unclear.